The following is an entry in ClinVar:

ClinVar aggregate classification (germline): Uncertain significance (1 of 4 stars; one submission).

Conditions:
KBG syndrome (KBGS). Also called: ANKRD11-Related KBG Syndrome. Identifiers: Orphanet 2332, MedGen C0220687, MONDO:0007846, OMIM 148050.

Allele frequency attached by ClinVar (database versions not stated): TOPMed 0.00001.

Submission:

Labcorp Genetics (formerly Invitae), Labcorp
Classification: Uncertain significance for KBG syndrome. Last evaluated: 2022-06-23. Review status: criteria provided, single submitter. Criteria: Invitae Variant Classification Sherloc (09022015). Collection method: clinical testing. Allele origin: germline.
Comment: In summary, the available evidence is currently insufficient to determine the role of this variant in disease. Therefore, it has been classified as a Variant of Uncertain Significance. This sequence change replaces glycine, which is neutral and non-polar, with arginine, which is basic and polar, at codon 27 of the ANKRD11 protein (p.Gly27Arg). This variant is not present in population databases (gnomAD no frequency). This variant has not been reported in the literature in individuals affected with ANKRD11-related conditions. Advanced modeling of protein sequence and biophysical properties (such as structural, functional, and spatial information, amino acid conservation, physicochemical variation, residue mobility, and thermodynamic stability) performed at Invitae indicates that this missense variant is expected to disrupt ANKRD11 protein function.

NM_013275.6(ANKRD11):c.79G>C (p.Gly27Arg)

Gene: ANKRD11 (ankyrin repeat domain 11; minus strand). Cytogenetic location: 16q24.3.
Variant type: single nucleotide variant.
Coding change: c.79G>C on transcript NM_013275.6 (MANE Select); coding-DNA position 79, G replaced by C.
Protein change: p.Gly27Arg; replaces glycine 27 with arginine.
Molecular consequence: missense variant. On other transcripts: non-coding transcript variant (1).
Genome position (GRCh38, 1-based): chr16:89,316,941, C>G on the plus strand (G>C on the coding strand, the complement: ANKRD11 is on the minus strand). VCF-style: chr16-89316941-C-G. GRCh37 (hg19) VCF-style: chr16-89383349-C-G.
Other names: c.79G>C, p.Gly27Arg (NM_001256182.2, NM_001256183.2); short protein forms G27R.
Identifiers: ClinVar variation 2182905 (VCV002182905.4), dbSNP rs1405383428, ClinGen allele CA397166579.
Genomic context (GRCh38, chr16:89,316,941, plus strand): 5'-CATCCCCATCTGGGTGCGGTGAGCATGCAGGGCTGGGAGGGGGCAGCATTACCTTTTTCC[C>G]AGTCTGCTTCTCCACCATGTCGCTGCTGAGGGGAAGCTCTTCCTGCTGTGGTGCTTTAGG-3'
Protein context (NP_037407.4, residues 17-37): LSSDMVEKQT[Gly27Arg]KKDKDKVSLT